The following is an entry in ClinVar:

NM_003072.5(SMARCA4):c.522G>T (p.Gln174His)

Gene: SMARCA4 (SWI/SNF related BAF chromatin remodeling complex subunit ATPase 4; plus strand). Cytogenetic location: 19p13.2.
Variant type: single nucleotide variant.
Coding change: c.522G>T on transcript NM_003072.5 (MANE Select); coding-DNA position 522, G replaced by T.
Protein change: p.Gln174His; replaces glutamine 174 with histidine.
Molecular consequence: missense variant. On other transcripts: non-coding transcript variant (1).
Genome position (GRCh38, 1-based): chr19:10,986,355, G>T. VCF-style: chr19-10986355-G-T. GRCh37 (hg19) VCF-style: chr19-11097031-G-T.
Other names: c.522G>T, p.Gln174His (NM_001128844.3, NM_001128845.2, NM_001128846.2 and 6 more transcripts); short protein forms Q174H.
Identifiers: ClinVar variation 1746227 (VCV001746227.2), dbSNP rs2513997370, ClinGen allele CA404056241.

ClinVar aggregate classification (germline): Uncertain significance (1 of 4 stars; one submission).

Conditions:
Hereditary cancer-predisposing syndrome. Also called: Hereditary Cancer Syndrome; Neoplastic Syndromes, Hereditary; Tumor predisposition; Hereditary neoplastic syndrome. Identifiers: Orphanet 140162, MedGen C0027672, MeSH D009386, MONDO:0015356.

Submission:

Ambry Genetics
Classification: Uncertain significance for Hereditary cancer-predisposing syndrome. Last evaluated: 2021-05-13. Review status: criteria provided, single submitter. Criteria: Ambry Variant Classification Scheme 2023. Collection method: clinical testing. Allele origin: germline.
Comment: The p.Q174H variant (also known as c.522G>T), located in coding exon 3 of the SMARCA4 gene, results from a G to T substitution at nucleotide position 522. The glutamine at codon 174 is replaced by histidine, an amino acid with highly similar properties. Missense and in-frame variants in SMARCA4 are known to cause neurodevelopmental disorders; however, such associations with rhabdoid tumor predisposition syndrome including small cell carcinoma of the ovary-hypercalcemic type (SCCOHT) are exceedingly rare (Kosho T et al. Am J Med Genet C Semin Med Genet. 2014 Sep;166C(3):262-75; Jelinic P et al. Nat Genet. 2014 May;46(5):424-6). This amino acid position is well conserved in available vertebrate species. In addition, the in silico prediction for this alteration is inconclusive. Based on the supporting evidence, the association of this alteration with Coffin-Siris syndrome is unknown; however, the association of this alteration with rhabdoid tumor predisposition syndrome is unlikely.